The following is an entry in ClinVar:

ClinVar aggregate classification (germline): Uncertain significance. Review status: criteria provided, multiple submitters, no conflicts (2 of 4 stars). 2 submissions from 2 submitters: Uncertain significance (2). Last evaluated 2024-08-26.

Conditions:
Inborn genetic diseases. Identifiers: MedGen C0950123, MeSH D030342.
Luscan-Lumish syndrome. Identifiers: Orphanet 597738, MedGen C4085873, MONDO:0014791, OMIM 616831.

Allele frequency attached by ClinVar (database versions not stated): gnomAD exomes 0.00001.
gnomAD v4.1: 8 of 1,613,978 alleles (0.0005%); highest among the groups gnomAD compares: Admixed American, 0.0017%; no homozygotes.

Submissions (2):

Ambry Genetics
Classification: Uncertain significance for Inborn genetic diseases. Last evaluated: 2024-08-26. Review status: criteria provided, single submitter. Criteria: Ambry Variant Classification Scheme 2023. Collection method: clinical testing. Allele origin: germline.

Labcorp Genetics (formerly Invitae), Labcorp
Classification: Uncertain significance for Luscan-Lumish syndrome. Last evaluated: 2024-01-26. Review status: criteria provided, single submitter. Criteria: Invitae Variant Classification Sherloc (09022015). Collection method: clinical testing. Allele origin: germline.
Comment: This sequence change replaces isoleucine, which is neutral and non-polar, with valine, which is neutral and non-polar, at codon 1823 of the SETD2 protein (p.Ile1823Val). This variant is present in population databases (no rsID available, gnomAD 0.0009%). This variant has not been reported in the literature in individuals affected with SETD2-related conditions. ClinVar contains an entry for this variant (Variation ID: 2210505). Advanced modeling of protein sequence and biophysical properties (such as structural, functional, and spatial information, amino acid conservation, physicochemical variation, residue mobility, and thermodynamic stability) performed at Invitae indicates that this missense variant is not expected to disrupt SETD2 protein function with a negative predictive value of 80%. In summary, the available evidence is currently insufficient to determine the role of this variant in disease. Therefore, it has been classified as a Variant of Uncertain Significance.

NM_014159.7(SETD2):c.5467A>G (p.Ile1823Val)

Gene: SETD2 (SET domain containing 2, histone lysine methyltransferase; minus strand). Cytogenetic location: 3p21.31.
Variant type: single nucleotide variant.
Coding change: c.5467A>G on transcript NM_014159.7 (MANE Select); coding-DNA position 5467, A replaced by G.
Protein change: p.Ile1823Val; replaces isoleucine 1823 with valine.
Molecular consequence: missense variant. On other transcripts: non-coding transcript variant (1).
Genome position (GRCh38, 1-based): chr3:47,084,313, T>C on the plus strand (A>G on the coding strand, the complement: SETD2 is on the minus strand). VCF-style: chr3-47084313-T-C. GRCh37 (hg19) VCF-style: chr3-47125803-T-C.
Other names: c.5335A>G, p.Ile1779Val (NM_001349370.3); short protein forms I1779V, I1823V.
Identifiers: ClinVar variation 2210505 (VCV002210505.6), dbSNP rs1403488230, ClinGen allele CA352536962.
Genomic context (GRCh38, chr3:47,084,313, plus strand): 5'-ACCCATCTCCTTCACTCAACGGAGGGACAGCAGTCTTAGTCTGAGACCAGCGTTGAATAA[T>C]TGGAAGTACTTTGCTTTCCTCCAACATATTTTTAGTAGGAATGGGCAAGTGTTCCAAAGT-3'
Protein context (NP_054878.5, residues 1813-1833): NMLEESKVLP[Ile1823Val]IQRWSQTKTA